The following is an entry in ClinVar:

NM_007214.5(SEC63):c.1786G>A (p.Asp596Asn)

Gene: SEC63 (SEC63 protein translocation regulator; minus strand). Cytogenetic location: 6q21.
Variant type: single nucleotide variant.
Coding change: c.1786G>A on transcript NM_007214.5 (MANE Select); coding-DNA position 1786, G replaced by A.
Protein change: p.Asp596Asn; replaces aspartic acid 596 with asparagine.
Molecular consequence: missense variant.
Genome position (GRCh38, 1-based): chr6:107,883,035, C>T on the plus strand (G>A on the coding strand, the complement: SEC63 is on the minus strand). VCF-style: chr6-107883035-C-T. GRCh37 (hg19) VCF-style: chr6-108204239-C-T.
Other names: short protein forms D596N.
Identifiers: ClinVar variation 4980186 (VCV004980186.1).

ClinVar aggregate classification (germline): Uncertain significance (1 of 4 stars; one submission).

Conditions:
SEC63-related disorder. Also called: SEC63-related condition.

gnomAD v4.1: 28 of 1,612,940 alleles (0.0017%); highest among the groups gnomAD compares: Middle Eastern, 0.033%; no homozygotes.

Submission:

PreventionGenetics, part of Exact Sciences
Classification: Uncertain significance for SEC63-related condition. Last evaluated: 2025-08-21. Review status: criteria provided, single submitter. Criteria: ACMG Guidelines, 2015. Collection method: clinical testing. Allele origin: germline.
Comment: The SEC63 c.1786G>A variant is predicted to result in the amino acid substitution p.Asp596Asn. To our knowledge, this variant has not been reported in the literature. This variant is reported in 0.023% of alleles in individuals of South Asian descent in gnomAD. Although we suspect that this variant may be benign, at this time, the clinical significance of this variant is uncertain due to the absence of conclusive functional and genetic evidence.